The following is an entry in ClinVar:

ClinVar aggregate classification (germline): Likely pathogenic (1 of 4 stars; one submission).

Conditions:
Netherton syndrome (NETH). Also called: NETHERTON DISEASE; ERYTHRODERMA, ICHTHYOSIFORM, WITH HYPOTRICHOSIS AND HYPER-IgE; COMEL-NETHERTON SYNDROME. Identifiers: Orphanet 634, MedGen C5574950, MONDO:0009735, OMIM 256500.

Submission:

Molecular Genetics and NGS Laboratory, Hospital Fundacion Valle Del Lili
Classification: Likely pathogenic for Netherton syndrome. Last evaluated: 2025-10-22. Review status: criteria provided, single submitter. Criteria: ACMG Guidelines, 2015. Collection method: clinical testing. Allele origin: maternal. Inheritance: Autosomal recessive inheritance. Affected: yes. Observed: 1 compound heterozygote.
Comment: We classified this variant as likely pathogenic based on the following American College of Medical Genetics and Genomics (ACMG) criteria: PM2: The variant was not found in the gnomAD genomes database, with adequate coverage (30.6×). Similarly, it was not detected in the gnomAD exomes database, with good coverage (30.6×). PP3: Computational prediction tools (SpliceAI) unanimously support a deleterious effect on the gene. No additional in silico tools are available for the assessment of this variant. This is a splice region variant not located within 2 bp of a canonical splicing junction. The aggregated prediction score indicates a deleterious effect (aggregated score: 0.714). PP4: The patient’s phenotype and family history are highly specific for a disease with a single genetic etiology. In this case, the clinical presentation is highly consistent with Netherton syndrome.

NM_006846.4(SPINK5):c.411-6_411-5del

Gene: SPINK5 (serine peptidase inhibitor Kazal type 5; plus strand). Cytogenetic location: 5q32.
Variant type: Deletion.
Coding change: c.411-6_411-5del on transcript NM_006846.4 (MANE Select); 6 bases into the intron before coding-DNA position 411 through 5 bases into the intron before coding-DNA position 411, 2 bases deleted (TT; older notation c.411-6_411-5delTT).
Molecular consequence: intron variant.
Genome position (GRCh38, 1-based): chr5:148,088,536-148,088,537, TT deleted. VCF-style (leftmost placement, unchanged base first): chr5-148088535-ATT-A. GRCh37 (hg19) VCF-style: chr5-147468098-ATT-A.
Other names: p.?; c.411-6_411-5del (NM_001127698.2, NM_001127699.2).
Identifiers: ClinVar variation 4294101 (VCV004294101.1).